The following is an entry in ClinVar:

ClinVar aggregate classification (germline): Uncertain significance. Review status: criteria provided, multiple submitters, no conflicts (2 of 4 stars). 3 submissions from 3 submitters: Uncertain significance (3). Last evaluated 2025-05-05.

Conditions:
Hereditary cancer-predisposing syndrome. Also called: Hereditary neoplastic syndrome; Hereditary Cancer Syndrome; Tumor predisposition; Neoplastic Syndromes, Hereditary. Identifiers: Orphanet 140162, MedGen C0027672, MeSH D009386, MONDO:0015356.
Pheochromocytoma. Also called: MAX-Related Hereditary Paraganglioma-Pheochromocytoma Syndrome. Identifiers: Orphanet 29072, MedGen C0031511, MONDO:0008233, OMIM 171300, HP:0002666.
Hereditary pheochromocytoma and paraganglioma. Also called: Hereditary pheochromocytoma-paraganglioma; Hereditary Paraganglioma-Pheochromocytoma Syndromes; Hereditary paragangliomas and pheochromocytomas. Identifiers: Orphanet 29072, MedGen C4274332, MONDO:0017366.

Submissions (3):

Ambry Genetics
Classification: Uncertain significance for Hereditary cancer-predisposing syndrome. Last evaluated: 2025-05-05. Review status: criteria provided, single submitter. Criteria: Ambry Variant Classification Scheme 2023. Collection method: clinical testing. Allele origin: germline.
Comment: The c.24_32delGCTGCCCGG variant (also known as p.L9_G11del) is located in coding exon 1 of the TMEM127 gene. This variant results from an in-frame GCTGCCCGG deletion at nucleotide positions 24 to 32. This results in the in-frame deletion of leucine, proline, and glycine residues between codons 9 and 11. This amino acid region is well conserved in available vertebrate species. In addition, the in silico prediction for this alteration is inconclusive (Choi Y et al. PLoS ONE. 2012; 7(10):e46688). Since supporting evidence is limited at this time, the clinical significance of this alteration remains unclear.

Baylor Genetics
Classification: Uncertain significance for Pheochromocytoma. Last evaluated: 2023-09-13. Review status: criteria provided, single submitter. Criteria: ACMG Guidelines, 2015. Collection method: clinical testing. Allele origin: unknown.

Labcorp Genetics (formerly Invitae), Labcorp
Classification: Uncertain significance for Hereditary pheochromocytoma and paraganglioma. Last evaluated: 2023-06-15. Review status: criteria provided, single submitter. Criteria: Invitae Variant Classification Sherloc (09022015). Collection method: clinical testing. Allele origin: germline.
Comment: This variant, c.24_32del, results in the deletion of 3 amino acid(s) of the TMEM127 protein (p.Leu9_Gly11del), but otherwise preserves the integrity of the reading frame. This variant is not present in population databases (gnomAD no frequency). This variant has not been reported in the literature in individuals affected with TMEM127-related conditions. ClinVar contains an entry for this variant (Variation ID: 951046). Experimental studies and prediction algorithms are not available or were not evaluated, and the functional significance of this variant is currently unknown. This variant disrupts a region of the TMEM127 protein in which other variant(s) (p.Gly11Cys) have been observed in individuals with TMEM127-related conditions (PMID: 32575117). This suggests that this is a clinically significant region of the protein, and that variants that disrupt it are likely to be disease-causing. In summary, the available evidence is currently insufficient to determine the role of this variant in disease. Therefore, it has been classified as a Variant of Uncertain Significance.

Literature cited by the submitters: PubMed 32575117 (cited by Labcorp Genetics (formerly Invitae), Labcorp).

NM_017849.4(TMEM127):c.24_32del (p.Leu9_Gly11del)

Genes: TMEM127 (transmembrane protein 127; minus strand), LOC129934333 (ATAC-STARR-seq lymphoblastoid silent region 11759; plus strand). Cytogenetic location: 2q11.2.
Variant type: Deletion.
Coding change: c.24_32del on transcript NM_017849.4 (MANE Select); coding-DNA positions 24 to 32, 9 bases deleted (GCTGCCCGG; older notation c.24_32delGCTGCCCGG).
Protein change: p.Leu9_Gly11del.
Molecular consequence: inframe deletion.
Genome position (GRCh38, 1-based): chr2:96,265,350-96,265,358, CCGGGCAGC deleted on the plus strand (GCTGCCCGG on the coding strand, the reverse complement: TMEM127 is on the minus strand); deleting any 9 consecutive bases within chr2:96,265,350-96,265,360 gives the same sequence; the c. name uses the placement nearest the transcript's 3' end. VCF-style (leftmost placement, unchanged base first): chr2-96265349-GCCGGGCAGC-G. GRCh37 (hg19) VCF-style: chr2-96931087-GCCGGGCAGC-G.
Other names: c.24_32del, p.Leu9_Gly11del (NM_001193304.3); c.24_32delGCTGCCCGG (NM_017849.3).
Identifiers: ClinVar variation 951046 (VCV000951046.14), dbSNP rs1684396239, ClinGen allele CA1139655619.